The following is an entry in ClinVar:

ClinVar aggregate classification (germline): Uncertain significance (1 of 4 stars; one submission).

gnomAD v4.1: 17 of 1,614,012 alleles (0.0011%); highest among the groups gnomAD compares: South Asian, 0.0033%; no homozygotes.

Submission:

Labcorp Genetics (formerly Invitae), Labcorp
Classification: Uncertain significance. Last evaluated: 2024-02-29. Review status: criteria provided, single submitter. Criteria: Invitae Variant Classification Sherloc (09022015). Collection method: clinical testing. Allele origin: germline.
Comment: This sequence change replaces histidine, which is basic and polar, with aspartic acid, which is acidic and polar, at codon 669 of the BUB1 protein (p.His669Asp). This variant is present in population databases (rs759821736, gnomAD 0.003%). This variant has not been reported in the literature in individuals affected with BUB1-related conditions. Algorithms developed to predict the effect of missense changes on protein structure and function output the following: SIFT: "Not Available"; PolyPhen-2: "Not Available"; Align-GVGD: "Not Available". The aspartic acid amino acid residue is found in multiple mammalian species, which suggests that this missense change does not adversely affect protein function. In summary, the available evidence is currently insufficient to determine the role of this variant in disease. Therefore, it has been classified as a Variant of Uncertain Significance.

NM_004336.5(BUB1):c.2005C>G (p.His669Asp)

Gene: BUB1 (BUB1 mitotic checkpoint serine/threonine kinase; minus strand). Cytogenetic location: 2q13.
Variant type: single nucleotide variant.
Coding change: c.2005C>G on transcript NM_004336.5 (MANE Select); coding-DNA position 2005, C replaced by G.
Protein change: p.His669Asp; replaces histidine 669 with aspartic acid.
Molecular consequence: missense variant.
Genome position (GRCh38, 1-based): chr2:110,650,744, G>C on the plus strand (C>G on the coding strand, the complement: BUB1 is on the minus strand). VCF-style: chr2-110650744-G-C. GRCh37 (hg19) VCF-style: chr2-111408321-G-C.
Other names: c.1945C>G, p.His649Asp (NM_001278616.2); c.2005C>G, p.His669Asp (NM_001278617.2); short protein forms H649D, H669D.
Identifiers: ClinVar variation 3631191 (VCV003631191.2).
Genomic context (GRCh38, chr2:110,650,744, plus strand): 5'-AGGTAAGTACCCCACCTGCAGCAGGCTGGCTCAGACGAAGTAAGGATGCTGAATACATGT[G>C]AGACGACAAGGCCTGTTTTGGGCTTTTCTCTTGAATTGGACTGGACGTGTGAAAGGAATA-3'
Protein context (NP_004327.1, residues 659-679): EKSPKQALSS[His669Asp]MYSASLLRLS